The following is an entry in ClinVar:

ClinVar aggregate classification (germline): Conflicting classifications of pathogenicity. Review status: criteria provided, conflicting classifications (1 of 4 stars). 3 submissions from 3 submitters: Uncertain significance (2); Likely benign (1). Last evaluated 2025-11-17.

Conditions:
Hereditary cancer-predisposing syndrome. Also called: Hereditary Cancer Syndrome; Neoplastic Syndromes, Hereditary; Tumor predisposition; Hereditary neoplastic syndrome. Identifiers: Orphanet 140162, MedGen C0027672, MeSH D009386, MONDO:0015356.
Renal cell carcinoma. Identifiers: Orphanet 217071, MedGen C0007134, MeSH D002292, MONDO:0005086, HP:0005584.

Allele frequency attached by ClinVar (database versions not stated): TOPMed below 0.00001.
gnomAD v4.1: 25 of 1,614,216 alleles (0.0015%); highest among the groups gnomAD compares: Non-Finnish European, 0.0019%; no homozygotes.

Submissions (3):

Labcorp Genetics (formerly Invitae), Labcorp
Classification: Uncertain significance for Renal cell carcinoma. Last evaluated: 2025-11-17. Review status: criteria provided, single submitter. Criteria: Invitae Variant Classification Sherloc (09022015). Collection method: clinical testing. Allele origin: germline.
Comment: This sequence change replaces leucine, which is neutral and non-polar, with valine, which is neutral and non-polar, at codon 1073 of the MET protein (p.Leu1073Val). This variant is not present in population databases (gnomAD no frequency). This variant has not been reported in the literature in individuals affected with MET-related conditions. ClinVar contains an entry for this variant (Variation ID: 999912). Invitae Evidence Modeling of protein sequence and biophysical properties (such as structural, functional, and spatial information, amino acid conservation, physicochemical variation, residue mobility, and thermodynamic stability) indicates that this missense variant is not expected to disrupt MET protein function with a negative predictive value of 80%. In summary, the available evidence is currently insufficient to determine the role of this variant in disease. Therefore, it has been classified as a Variant of Uncertain Significance.

GeneDx
Classification: Uncertain significance. Last evaluated: 2025-10-01. Review status: criteria provided, single submitter. Criteria: GeneDx Variant Classification Process June 2021. Collection method: clinical testing. Allele origin: germline.
Comment: Not observed at significant frequency in large population cohorts (gnomAD); In silico analysis suggests that this missense variant does not alter protein structure/function; Has not been previously published as pathogenic or benign to our knowledge

Ambry Genetics
Classification: Likely benign for Hereditary cancer-predisposing syndrome. Last evaluated: 2024-10-11. Review status: criteria provided, single submitter. Criteria: Ambry Variant Classification Scheme 2023. Collection method: clinical testing. Allele origin: germline.

NM_000245.4(MET):c.3163C>G (p.Leu1055Val)

Gene: MET (MET proto-oncogene, receptor tyrosine kinase; plus strand). Cytogenetic location: 7q31.2.
Variant type: single nucleotide variant.
Coding change: c.3163C>G on transcript NM_000245.4 (MANE Select); coding-DNA position 3163, C replaced by G.
Protein change: p.Leu1055Val; replaces leucine 1055 with valine.
Molecular consequence: missense variant.
Genome position (GRCh38, 1-based): chr7:116,775,015, C>G. VCF-style: chr7-116775015-C-G. GRCh37 (hg19) VCF-style: chr7-116415069-C-G.
Other names: c.3217C>G, p.Leu1073Val (NM_001127500.3); c.1873C>G, p.Leu625Val (NM_001324402.2); short protein forms L1055V, L1073V, L625V.
Identifiers: ClinVar variation 999912 (VCV000999912.14), dbSNP rs1060503534, ClinGen allele CA368988426.